The following is an entry in ClinVar:

NM_005477.3(HCN4):c.1018A>G (p.Ser340Gly)

Genes: HCN4 (hyperpolarization activated cyclic nucleotide gated potassium channel 4; minus strand), LOC105370890 (uncharacterized LOC105370890; plus strand), LOC126862173 (CDK7 strongly-dependent group 2 enhancer GRCh37_chr15:73635762-73636961; plus strand). Cytogenetic location: 15q24.1.
Variant type: single nucleotide variant.
Coding change: c.1018A>G on transcript NM_005477.3 (MANE Select); coding-DNA position 1018, A replaced by G.
Protein change: p.Ser340Gly; replaces serine 340 with glycine.
Molecular consequence: missense variant. On other transcripts: non-coding transcript variant (1).
Genome position (GRCh38, 1-based): chr15:73,343,576, T>C on the plus strand (A>G on the coding strand, the complement: HCN4 is on the minus strand). VCF-style: chr15-73343576-T-C. GRCh37 (hg19) VCF-style: chr15-73635917-T-C.
Other names: short protein forms S340G.
Identifiers: ClinVar variation 2745594 (VCV002745594.4), dbSNP rs2549074785, ClinGen allele CA393095033.

ClinVar aggregate classification (germline): Uncertain significance. Review status: criteria provided, multiple submitters, no conflicts (2 of 4 stars). 2 submissions from 2 submitters: Uncertain significance (2). Last evaluated 2023-07-26.

Conditions:
Brugada syndrome 8 (BRGDA8). Identifiers: Orphanet 130, MedGen C2751083, MONDO:0013148, OMIM 613123.

Allele frequency attached by ClinVar (database versions not stated): gnomAD exomes below 0.00001.

Submissions (2):

Labcorp Genetics (formerly Invitae), Labcorp
Classification: Uncertain significance for Brugada syndrome 8. Last evaluated: 2023-07-26. Review status: criteria provided, single submitter. Criteria: Invitae Variant Classification Sherloc (09022015). Collection method: clinical testing. Allele origin: germline.
Comment: In summary, the available evidence is currently insufficient to determine the role of this variant in disease. Therefore, it has been classified as a Variant of Uncertain Significance. Advanced modeling of protein sequence and biophysical properties (such as structural, functional, and spatial information, amino acid conservation, physicochemical variation, residue mobility, and thermodynamic stability) performed at Invitae indicates that this missense variant is not expected to disrupt HCN4 protein function. This variant has not been reported in the literature in individuals affected with HCN4-related conditions. This variant is not present in population databases (gnomAD no frequency). This sequence change replaces serine, which is neutral and polar, with glycine, which is neutral and non-polar, at codon 340 of the HCN4 protein (p.Ser340Gly).

Blueprint Genetics
Classification: Uncertain significance. Last evaluated: 2023-06-19. Review status: criteria provided, single submitter. Criteria: ACMG Guidelines, 2015. Collection method: clinical testing. Allele origin: germline.